The following is an entry in ClinVar:

NM_001256071.3(RNF213):c.3949C>G (p.Leu1317Val)

Gene: RNF213 (ring finger protein 213; plus strand). Cytogenetic location: 17q25.3.
Variant type: single nucleotide variant.
Coding change: c.3949C>G on transcript NM_001256071.3 (MANE Select); coding-DNA position 3949, C replaced by G.
Protein change: p.Leu1317Val; replaces leucine 1317 with valine.
Molecular consequence: missense variant.
Genome position (GRCh38, 1-based): chr17:80,332,437, C>G. VCF-style: chr17-80332437-C-G. GRCh37 (hg19) VCF-style: chr17-78306237-C-G.
Other names: c.4096C>G, p.Leu1366Val (NM_001410195.1, NM_020914.5); short protein forms L1317V, L1366V.
Identifiers: ClinVar variation 5008855 (VCV005008855.1).

ClinVar aggregate classification (germline): Uncertain significance (1 of 4 stars; one submission).

Submission:

GeneDx
Classification: Uncertain significance. Last evaluated: 2026-03-12. Review status: criteria provided, single submitter. Criteria: GeneDx Variant Classification Process June 2021. Collection method: clinical testing. Allele origin: germline.
Comment: Not observed at significant frequency in large population cohorts (gnomAD); In silico analysis supports that this missense variant has a deleterious effect on protein structure/function; Has not been previously published as pathogenic or benign to our knowledge